The following is an entry in ClinVar:

NM_004360.5(CDH1):c.241G>A (p.Gly81Ser)

Gene: CDH1 (cadherin 1; plus strand). Cytogenetic location: 16q22.1.
Variant type: single nucleotide variant.
Coding change: c.241G>A on transcript NM_004360.5 (MANE Select); coding-DNA position 241, G replaced by A.
Protein change: p.Gly81Ser; replaces glycine 81 with serine.
Molecular consequence: missense variant. On other transcripts: 5 prime UTR variant (2).
Genome position (GRCh38, 1-based): chr16:68,801,747, G>A. VCF-style: chr16-68801747-G-A. GRCh37 (hg19) VCF-style: chr16-68835650-G-A.
Other names: c.241G>A (LRG_301t1); c.241G>A, p.Gly81Ser (NM_001317184.2); c.-1375G>A (NM_001317185.2); c.-1579G>A (NM_001317186.2); short protein forms G81S.
Identifiers: ClinVar variation 406630 (VCV000406630.12), dbSNP rs1060501225, ClinGen allele CA16615366.
Genomic context (GRCh38, chr16:68,801,747, plus strand): 5'-ACCGGTCGACAAAGGACAGCCTATTTTTCCCTCGACACCCGATTCAAAGTGGGCACAGAT[G>A]GTGTGATTACAGTCAAAAGGCCTCTACGGTTTCATAACCCACAGATCCATTTCTTGGTCT-3'
Protein context (NP_004351.1, residues 71-91): LDTRFKVGTD[Gly81Ser]VITVKRPLRF

ClinVar aggregate classification (germline): Uncertain significance. Review status: criteria provided, multiple submitters, no conflicts (2 of 4 stars). 2 submissions from 2 submitters: Uncertain significance (2). Last evaluated 2026-09-03.

Conditions:
Hereditary diffuse gastric adenocarcinoma (HDGC). Also called: DIFFUSE GASTRIC AND LOBULAR BREAST CANCER SYNDROME. Identifiers: Orphanet 26106, MedGen C1708349, MONDO:0007648, OMIM 137215.
Hereditary cancer-predisposing syndrome. Also called: Neoplastic Syndromes, Hereditary; Hereditary Cancer Syndrome; Tumor predisposition; Hereditary neoplastic syndrome. Identifiers: Orphanet 140162, MedGen C0027672, MeSH D009386, MONDO:0015356.

Allele frequency attached by ClinVar (database versions not stated): gnomAD exomes below 0.00001.
gnomAD v4.1: 2 of 1,614,158 alleles (0.00012%); highest among the groups gnomAD compares: Middle Eastern, 0.016%; no homozygotes.

Submissions (2):

Ambry Genetics
Classification: Uncertain significance for Hereditary cancer-predisposing syndrome. Last evaluated: 2026-09-03. Review status: criteria provided, single submitter. Criteria: Ambry Variant Classification Scheme 2023. Collection method: clinical testing. Allele origin: germline.
Comment: The p.G81S variant (also known as c.241G>A), located in coding exon 3 of the CDH1 gene, results from a G to A substitution at nucleotide position 241. The glycine at codon 81 is replaced by serine, an amino acid with similar properties. This amino acid position is highly conserved in available vertebrate species. In addition, this alteration is predicted to be deleterious by in silico analysis. Based on the available evidence, the clinical significance of this variant remains unclear.

Labcorp Genetics (formerly Invitae), Labcorp
Classification: Uncertain significance for Hereditary diffuse gastric adenocarcinoma. Last evaluated: 2024-05-15. Review status: criteria provided, single submitter. Criteria: Invitae Variant Classification Sherloc (09022015). Collection method: clinical testing. Allele origin: germline.
Comment: This sequence change replaces glycine, which is neutral and non-polar, with serine, which is neutral and polar, at codon 81 of the CDH1 protein (p.Gly81Ser). This variant is not present in population databases (gnomAD no frequency). This variant has not been reported in the literature in individuals affected with CDH1-related conditions. ClinVar contains an entry for this variant (Variation ID: 406630). An algorithm developed to predict the effect of missense changes on protein structure and function (PolyPhen-2) suggests that this variant is likely to be disruptive. In summary, the available evidence is currently insufficient to determine the role of this variant in disease. Therefore, it has been classified as a Variant of Uncertain Significance.